The following is an entry in ClinVar:

NM_013314.4(BLNK):c.935-3C>T

Genes: BLNK (B cell linker; minus strand), ZNF518A (zinc finger protein 518A; plus strand). Cytogenetic location: 10q24.1.
Variant type: single nucleotide variant.
Coding change: c.935-3C>T on transcript NM_013314.4 (MANE Select); 3 bases into the intron before coding-DNA position 935, C replaced by T.
Molecular consequence: intron variant.
Genome position (GRCh38, 1-based): chr10:96,201,061, G>A on the plus strand (C>T on the coding strand, the complement: BLNK is on the minus strand). VCF-style: chr10-96201061-G-A. GRCh37 (hg19) VCF-style: chr10-97960817-G-A.
Other names: c.620-3C>T (NM_001258442.2); c.866-3C>T (NM_001258441.2, NM_001114094.2); c.935-3C>T (NM_001258440.2).
Identifiers: ClinVar variation 1417785 (VCV001417785.3), dbSNP rs201642415, ClinGen allele CA5623237.

ClinVar aggregate classification (germline): Uncertain significance (1 of 4 stars; one submission).

Conditions:
Agammaglobulinemia 4, autosomal recessive (AGM4). Also called: B cell linker protein deficiency; AGAMMAGLOBULINEMIA, AUTOSOMAL RECESSIVE, DUE TO BLNK DEFECT. Identifiers: MedGen C3150752, MONDO:0013289, OMIM 613502.

Allele frequency attached by ClinVar (database versions not stated): ExAC 0.00001; gnomAD 0.00001; gnomAD exomes 0.00001 and 0.00004; TOPMed 0.00001; 1000 Genomes Project 30x 0.00016; 1000 Genomes Project 0.00020.
gnomAD v4.1: 10 of 1,613,310 alleles (0.00062%); highest among the groups gnomAD compares: East Asian, 0.022%; no homozygotes.

Submission:

Labcorp Genetics (formerly Invitae), Labcorp
Classification: Uncertain significance for Agammaglobulinemia 4, autosomal recessive. Last evaluated: 2022-03-07. Review status: criteria provided, single submitter. Criteria: Invitae Variant Classification Sherloc (09022015). Collection method: clinical testing. Allele origin: germline.
Comment: This sequence change falls in intron 13 of the BLNK gene. It does not directly change the encoded amino acid sequence of the BLNK protein. It affects a nucleotide within the consensus splice site. This variant is present in population databases (rs201642415, gnomAD 0.05%). This variant has not been reported in the literature in individuals affected with BLNK-related conditions. Variants that disrupt the consensus splice site are a relatively common cause of aberrant splicing (PMID: 17576681, 9536098). Algorithms developed to predict the effect of sequence changes on RNA splicing suggest that this variant is not likely to affect RNA splicing. In summary, the available evidence is currently insufficient to determine the role of this variant in disease. Therefore, it has been classified as a Variant of Uncertain Significance.

Literature cited by the submitters: PubMed 17576681; PubMed 9536098.